The following is an entry in ClinVar:

ClinVar aggregate classification (germline): Conflicting classifications of pathogenicity. Review status: criteria provided, conflicting classifications (1 of 4 stars). 3 submissions from 3 submitters: Pathogenic (2); Uncertain significance (1). Last evaluated 2025-01-13.

Conditions:
Transcobalamin II deficiency (TCN2D). Also called: Transcolabamin II deficiency; TC II DEFICIENCY; TCN2 DEFICIENCY. Identifiers: Orphanet 859, MedGen C0342701, MONDO:0010149, OMIM 275350.
TCN2-related disorder. Also called: TCN2-related condition.

Allele frequency attached by ClinVar (database versions not stated): gnomAD 0.00001.
gnomAD v4.1: 29 of 1,614,086 alleles (0.0018%); highest among the groups gnomAD compares: Admixed American, 0.005%; no homozygotes.

Submissions (3):

PreventionGenetics, part of Exact Sciences
Classification: Pathogenic for TCN2-related condition. Last evaluated: 2025-01-13. Review status: criteria provided, single submitter. Criteria: ACMG Guidelines, 2015. Collection method: clinical testing. Allele origin: germline.
Comment: The TCN2 c.937C>T variant is predicted to result in premature protein termination (p.Arg313*). This variant has been reported in an individual with transcobalamin deficiency (Trakadis et al. 2014. PubMed ID: 24305960). This variant is reported in 0.0046% of alleles in individuals of European (Finnish) descent in gnomAD. Nonsense variants in TCN2 are expected to be pathogenic. This variant is interpreted as pathogenic.

Dasa
Classification: Uncertain significance. Last evaluated: 2024-12-06. Review status: criteria provided, single submitter. Criteria: DASA Assertion Criteria. Collection method: clinical testing. Allele origin: germline.
Comment: NM_000355.4(TCN2):c.937C>T (p.Arg313*) is a nonsense variant in TCN2 predicted to introduce a premature termination codon and is predicted to result in an absent or altered protein product. This variant is rare in population databases. The currently available literature and clinical evidence are not sufficient to establish a definitive association between this variant and the reported condition. Therefore, this variant is classified as a variant of uncertain significance.

Labcorp Genetics (formerly Invitae), Labcorp
Classification: Pathogenic for Transcobalamin II deficiency. Last evaluated: 2024-10-03. Review status: criteria provided, single submitter. Criteria: Invitae Variant Classification Sherloc (09022015). Collection method: clinical testing. Allele origin: germline.
Comment: This sequence change creates a premature translational stop signal (p.Arg313*) in the TCN2 gene. It is expected to result in an absent or disrupted protein product. Loss-of-function variants in TCN2 are known to be pathogenic (PMID: 7980584, 20352340). This variant is present in population databases (rs747257199, gnomAD 0.004%). This premature translational stop signal has been observed in individual(s) with clinical features of transcobalamin II deficiency (PMID: 2430590). ClinVar contains an entry for this variant (Variation ID: 2138436). For these reasons, this variant has been classified as Pathogenic.

Literature cited by the submitters: PubMed 7980584 (cited by Labcorp Genetics (formerly Invitae), Labcorp); PubMed 20352340 (cited by Labcorp Genetics (formerly Invitae), Labcorp); PubMed 2430590 (cited by Labcorp Genetics (formerly Invitae), Labcorp).

NM_000355.4(TCN2):c.937C>T (p.Arg313Ter)

Gene: TCN2 (transcobalamin 2; plus strand). Cytogenetic location: 22q12.2.
Variant type: single nucleotide variant.
Coding change: c.937C>T on transcript NM_000355.4 (MANE Select); coding-DNA position 937, C replaced by T.
Protein change: p.Arg313Ter; replaces arginine 313 with a stop codon.
Molecular consequence: nonsense.
Genome position (GRCh38, 1-based): chr22:30,615,784, C>T. VCF-style: chr22-30615784-C-T. GRCh37 (hg19) VCF-style: chr22-31011771-C-T.
Other names: c.856C>T, p.Arg286Ter (NM_001184726.2); c.937C>T (NM_000355.3); short protein forms R313*, R286*.
Identifiers: ClinVar variation 2138436 (VCV002138436.7), dbSNP rs747257199, ClinGen allele CA10184887.